The following is an entry in ClinVar:

ClinVar aggregate classification (germline): Uncertain significance (0 of 4 stars; one submission).

Conditions:
PKD1-related disorder. Also called: PKD1-related condition.

Submission:

PreventionGenetics, part of Exact Sciences
Classification: Uncertain significance for PKD1-related condition. Last evaluated: 2024-04-09. Review status: no assertion criteria provided. Collection method: clinical testing. Allele origin: germline.
Comment: The PKD1 c.6797G>C variant is predicted to result in the amino acid substitution p.Arg2266Pro. This variant was reported in an individual with autosomal dominant polycystic kidney disease (ADPKD), who was seeking in vitro fertilization (IVF) with preimplantation genetic diagnosis (PGD) (Murphy et al. 2018. PubMed ID: 29606500). This variant has not been reported in a large population database, indicating this variant is rare. Although we suspect that this variant may be pathogenic, at this time, the clinical significance of this variant is uncertain due to the absence of conclusive functional and genetic evidence.

NM_001009944.3(PKD1):c.6797G>C (p.Arg2266Pro)

Gene: PKD1 (polycystin 1, transient receptor potential channel interacting; minus strand). Cytogenetic location: 16p13.3.
Variant type: single nucleotide variant.
Coding change: c.6797G>C on transcript NM_001009944.3 (MANE Select); coding-DNA position 6797, G replaced by C.
Protein change: p.Arg2266Pro; replaces arginine 2266 with proline.
Molecular consequence: missense variant.
Genome position (GRCh38, 1-based): chr16:2,108,370, C>G on the plus strand (G>C on the coding strand, the complement: PKD1 is on the minus strand). VCF-style: chr16-2108370-C-G. GRCh37 (hg19) VCF-style: chr16-2158371-C-G.
Other names: c.6797G>C, p.Arg2266Pro (NM_000296.4); short protein forms R2266P.
Identifiers: ClinVar variation 3344483 (VCV003344483.1).